The following is an entry in ClinVar:

ClinVar aggregate classification (germline): Uncertain significance. Review status: criteria provided, single submitter (1 of 4 stars). 2 submissions from 2 submitters: Uncertain significance (1). 1 of the submissions does not count toward it. Last evaluated 2022-07-15.

Conditions:
Usher syndrome type 1F (USH1F). Also called: USHER SYNDROME, TYPE IF. Identifiers: Orphanet 231169, Orphanet 886, MedGen C1865885, MONDO:0011186, OMIM 602083.

Allele frequency attached by ClinVar (database versions not stated): ExAC 0.00002; gnomAD exomes 0.00001; TOPMed 0.00001.
gnomAD v4.1: 15 of 1,613,812 alleles (0.00093%); highest among the groups gnomAD compares: African/African-American, 0.0013%; no homozygotes.

Submissions (2):

Labcorp Genetics (formerly Invitae), Labcorp
Classification: Uncertain significance. Last evaluated: 2022-07-15. Review status: criteria provided, single submitter. Criteria: Invitae Variant Classification Sherloc (09022015). Collection method: clinical testing. Allele origin: germline.
Comment: This sequence change replaces serine, which is neutral and polar, with proline, which is neutral and non-polar, at codon 1895 of the PCDH15 protein (p.Ser1895Pro). This variant is present in population databases (rs759950014, gnomAD 0.003%). This variant has not been reported in the literature in individuals affected with PCDH15-related conditions. ClinVar contains an entry for this variant (Variation ID: 1041257). Algorithms developed to predict the effect of missense changes on protein structure and function are either unavailable or do not agree on the potential impact of this missense change (SIFT: "Tolerated"; PolyPhen-2: "Not Available"; Align-GVGD: "Class C0"). In summary, the available evidence is currently insufficient to determine the role of this variant in disease. Therefore, it has been classified as a Variant of Uncertain Significance.

Natera, Inc.
Classification: Uncertain significance for Usher syndrome type 1F. Last evaluated: 2020-05-03. Review status: no assertion criteria provided. Collection method: clinical testing. Allele origin: germline. Not counted in ClinVar's aggregate classification.

NM_033056.4(PCDH15):c.5683T>C (p.Ser1895Pro)

Gene: PCDH15 (protocadherin related 15; minus strand). Cytogenetic location: 10q21.1.
Variant type: single nucleotide variant.
Coding change: c.5683T>C on transcript NM_033056.4 (MANE Plus Clinical); coding-DNA position 5683, T replaced by C.
Protein change: p.Ser1895Pro; replaces serine 1895 with proline.
Molecular consequence: missense variant. On other transcripts: intron variant (8).
Genome position (GRCh38, 1-based): chr10:53,822,043, A>G on the plus strand (T>C on the coding strand, the complement: PCDH15 is on the minus strand). VCF-style: chr10-53822043-A-G. GRCh37 (hg19) VCF-style: chr10-55581803-A-G.
Other names: c.5704T>C, p.Ser1902Pro (NM_001142763.2); c.5689T>C, p.Ser1897Pro (NM_001142764.2); c.5476T>C, p.Ser1826Pro (NM_001142765.2); c.5674T>C, p.Ser1892Pro (NM_001142766.2); c.5563T>C, p.Ser1855Pro (NM_001142767.2); c.5623T>C, p.Ser1875Pro (NM_001142768.2); c.5614T>C, p.Ser1872Pro (NM_001142773.2); c.5617T>C, p.Ser1873Pro (NM_001354404.2); and 7 more; short protein forms S1872P, S1873P, S1875P, S1902P, S1826P, S1895P, S1897P, S1855P.
Identifiers: ClinVar variation 1041257 (VCV001041257.3), dbSNP rs759950014, ClinGen allele CA5504986.